The following is an entry in ClinVar:

ClinVar aggregate classification (germline): Uncertain significance. Review status: criteria provided, multiple submitters, no conflicts (2 of 4 stars). 3 submissions from 3 submitters: Uncertain significance (3). Last evaluated 2025-02-17.

Conditions:
Charcot-Marie-Tooth disease type 2. Also called: Charcot-Marie-Tooth type 2. Identifiers: Orphanet 64746, MedGen C0270914, MONDO:0018993.

Allele frequency attached by ClinVar (database versions not stated): gnomAD exomes 0.00002; ExAC 0.00002.
gnomAD v4.1: 55 of 1,614,176 alleles (0.0034%); highest among the groups gnomAD compares: Non-Finnish European, 0.004%; no homozygotes.

Submissions (3):

Labcorp Genetics (formerly Invitae), Labcorp
Classification: Uncertain significance for Charcot-Marie-Tooth disease type 2. Last evaluated: 2025-02-17. Review status: criteria provided, single submitter. Criteria: Invitae Variant Classification Sherloc (09022015). Collection method: clinical testing. Allele origin: germline.
Comment: This sequence change replaces alanine, which is neutral and non-polar, with threonine, which is neutral and polar, at codon 387 of the GARS protein (p.Ala387Thr). This variant is present in population databases (rs776528885, gnomAD 0.006%). This missense change has been observed in individual(s) with GARS-related conditions (PMID: 32028661). ClinVar contains an entry for this variant (Variation ID: 931629). Invitae Evidence Modeling of protein sequence and biophysical properties (such as structural, functional, and spatial information, amino acid conservation, physicochemical variation, residue mobility, and thermodynamic stability) indicates that this missense variant is not expected to disrupt GARS protein function with a negative predictive value of 80%. In summary, the available evidence is currently insufficient to determine the role of this variant in disease. Therefore, it has been classified as a Variant of Uncertain Significance.

Centre for Mendelian Genomics, University Medical Centre Ljubljana
Classification: Uncertain significance. Last evaluated: 2019-10-17. Review status: criteria provided, single submitter. Criteria: ACMG Guidelines, 2015. Collection method: clinical testing. Allele origin: unknown. Affected: yes.
Comment: This variant was classified as: Uncertain significance. The available evidence on this variant's pathogenicity is insufficient or conflicting. The following ACMG criteria were applied in classifying this variant: PP3,BS2.

GeneDx
Classification: Uncertain significance. Last evaluated: 2019-09-24. Review status: criteria provided, single submitter. Criteria: GeneDx Variant Classification Process June 2021. Collection method: clinical testing. Allele origin: germline. Affected: yes.
Comment: In silico analysis, which includes protein predictors and evolutionary conservation, supports that this variant does not alter protein structure/function; Has not been previously published as pathogenic or benign to our knowledge

Literature cited by the submitters: PubMed 32028661 (cited by Labcorp Genetics (formerly Invitae), Labcorp).

NM_002047.4(GARS1):c.1159G>A (p.Ala387Thr)

Gene: GARS1 (glycyl-tRNA synthetase 1; plus strand). Cytogenetic location: 7p14.3.
Variant type: single nucleotide variant.
Coding change: c.1159G>A on transcript NM_002047.4 (MANE Select); coding-DNA position 1159, G replaced by A.
Protein change: p.Ala387Thr; replaces alanine 387 with threonine.
Molecular consequence: missense variant.
Genome position (GRCh38, 1-based): chr7:30,616,023, G>A. VCF-style: chr7-30616023-G-A. GRCh37 (hg19) VCF-style: chr7-30655639-G-A.
Other names: c.997G>A, p.Ala333Thr (NM_001316772.1); short protein forms A387T, A333T.
Identifiers: ClinVar variation 931629 (VCV000931629.6), dbSNP rs776528885, ClinGen allele CA4205902.